The following is an entry in ClinVar:

NM_000203.5(IDUA):c.607G>A (p.Asp203Asn)

Gene: IDUA (alpha-L-iduronidase; plus strand). Cytogenetic location: 4p16.3.
Variant type: single nucleotide variant.
Coding change: c.607G>A on transcript NM_000203.5 (MANE Select); coding-DNA position 607, G replaced by A.
Protein change: p.Asp203Asn; replaces aspartic acid 203 with asparagine.
Molecular consequence: missense variant. On other transcripts: non-coding transcript variant (1).
Genome position (GRCh38, 1-based): chr4:1,001,696, G>A. VCF-style: chr4-1001696-G-A. GRCh37 (hg19) VCF-style: chr4-995484-G-A.
Other names: c.607G>A (NM_000203.4); c.211G>A, p.Asp71Asn (NM_001363576.1); short protein forms D71N, D203N.
Identifiers: ClinVar variation 1458774 (VCV001458774.10), dbSNP rs2153021976, ClinGen allele CA355961909.

ClinVar aggregate classification (germline): Pathogenic/Likely pathogenic. Review status: criteria provided, multiple submitters, no conflicts (2 of 4 stars). 3 submissions from 3 submitters: Pathogenic (1); Likely pathogenic (2). Last evaluated 2025-12-18.

Conditions:
Mucopolysaccharidosis type 1. Also called: IDUA deficiency; MPS I; Mucopolysaccharidosis Type I. Identifiers: Orphanet 579, MedGen C0023786, MONDO:0001586.

Submissions (3):

Women's Health and Genetics/Laboratory Corporation of America, LabCorp
Classification: Likely pathogenic for Mucopolysaccharidosis type 1. Last evaluated: 2025-12-18. Review status: criteria provided, single submitter. Criteria: LabCorp Variant Classification Summary - May 2015. Collection method: clinical testing. Allele origin: germline.
Comment: Variant summary: IDUA c.607G>A (p.Asp203Asn) results in a conservative amino acid change in the encoded protein sequence. Algorithms developed to predict the effect of missense changes on protein structure and function are either unavailable or do not agree on the potential impact of this missense change. The variant was absent in 230974 control chromosomes. c.607G>A has been observed in individual(s) affected with Mucopolysaccharidosis Type (example: Dou_2007, Moghadam_2019). These data indicate that the variant may be associated with disease. The following publications have been ascertained in the context of this evaluation (PMID: 32036849, 17407067). ClinVar contains an entry for this variant (Variation ID: 1458774). Based on the evidence outlined above, the variant was classified as likely pathogenic.

Natera, Inc.
Classification: Likely pathogenic for Mucopolysaccharidosis type I. Last evaluated: 2024-09-17. Review status: criteria provided, single submitter. Criteria: Natera Variant Classification Schema (03/2026). Collection method: clinical testing. Allele origin: germline.
Comment: The c.607G>A variant in IDUA is a missense variant predicted to cause substitution of aspartic acid to asparagine at amino acid 203. This variant is rare in the general population with a frequency below the threshold expected for the associated phenotype(s). This variant has been observed in one or more individuals affected with the associated recessive disease, as either homozygous or compound heterozygous with a second variant (PMID: 32036849, 31194252, 17407067). This variant has been identified in one or more affected individuals with a phenotype highly consistent with the associated gene (PMID: 17407067, 31194252, 32036849). Computational prediction algorithms indicate this variant is likely to affect gene or protein function. Given the available evidence, this variant is classified as Likely Pathogenic.

Labcorp Genetics (formerly Invitae), Labcorp
Classification: Pathogenic for Mucopolysaccharidosis type 1. Last evaluated: 2024-04-15. Review status: criteria provided, single submitter. Criteria: Invitae Variant Classification Sherloc (09022015). Collection method: clinical testing. Allele origin: germline.
Comment: This sequence change replaces aspartic acid, which is acidic and polar, with asparagine, which is neutral and polar, at codon 203 of the IDUA protein (p.Asp203Asn). This variant is not present in population databases (gnomAD no frequency). This missense change has been observed in individual(s) with mucopolysaccharidosis type I (PMID: 17407067). In at least one individual the data is consistent with being in trans (on the opposite chromosome) from a pathogenic variant. ClinVar contains an entry for this variant (Variation ID: 1458774). Advanced modeling of protein sequence and biophysical properties (such as structural, functional, and spatial information, amino acid conservation, physicochemical variation, residue mobility, and thermodynamic stability) performed at Invitae indicates that this missense variant is expected to disrupt IDUA protein function with a positive predictive value of 80%. For these reasons, this variant has been classified as Pathogenic.

Literature cited by the submitters: PubMed 17407067 (cited by 3 submitters); PubMed 32036849 (cited by Women's Health and Genetics/Laboratory Corporation of America, LabCorp and Natera, Inc.); PubMed 31194252 (cited by Natera, Inc.).